The following is an entry in ClinVar:

NM_001005242.3(PKP2):c.172G>A (p.Glu58Lys)

Gene: PKP2 (plakophilin 2; minus strand). Cytogenetic location: 12p11.21.
Variant type: single nucleotide variant.
Coding change: c.172G>A on transcript NM_001005242.3 (MANE Select); coding-DNA position 172, G replaced by A.
Protein change: p.Glu58Lys; replaces glutamic acid 58 with lysine.
Molecular consequence: missense variant. On other transcripts: 5 prime UTR variant (4).
Genome position (GRCh38, 1-based): chr12:32,896,560, C>T on the plus strand (G>A on the coding strand, the complement: PKP2 is on the minus strand). VCF-style: chr12-32896560-C-T. GRCh37 (hg19) VCF-style: chr12-33049494-C-T.
Other names: c.172G>A, p.Glu58Lys (NM_001407155.1, NM_001407156.1, NM_001407157.1 and 2 more transcripts); c.-655G>A (NM_001407158.1, NM_001407162.1); c.-419G>A (NM_001407159.1, NM_001407160.1); short protein forms E58K.
Identifiers: ClinVar variation 3073228 (VCV003073228.2), dbSNP rs1197820814, ClinGen allele CA384370908.
Genomic context (GRCh38, chr12:32,896,560, plus strand): 5'-TCCACTCACCGTTGCCCACGGAGCTGCGGCCCTTCCGGGCGAGGGTCTGCTGCACCTGCT[C>T]CTGGATCCGCAGGCTCTTGACTGTCTGGCCGCCGCGGCCGCTGCTCCCCGCCAGCTTCAG-3'
Protein context (NP_001005242.2, residues 48-68): GQTVKSLRIQ[Glu58Lys]QVQQTLARKG

ClinVar aggregate classification (germline): Uncertain significance. Review status: criteria provided, multiple submitters, no conflicts (2 of 4 stars). 2 submissions from 2 submitters: Uncertain significance (2). Last evaluated 2025-06-18.

Conditions:
Arrhythmogenic right ventricular dysplasia 9 (ARVD9). Also called: Arrhythmogenic Right Ventricular Dysplasia/Cardiomyopathy 9; ARRHYTHMOGENIC RIGHT VENTRICULAR DYSPLASIA, FAMILIAL, 9. Identifiers: MedGen C1836906, MONDO:0012180, OMIM 609040.
Arrhythmogenic right ventricular cardiomyopathy (ARVD). Also called: Arrhythmogenic right ventricular dysplasia; Cardiomyopathy, ARVC; Arrhythmogenic cardiomyopathy; Arrhythmogenic Right Ventricular Cardiomyopathy (ARVC). Identifiers: Orphanet 247, MedGen C0349788, MeSH D019571, MONDO:0016587. Disease mechanism: loss of function. Inheritance: Various modes of inheritance.

Allele frequency attached by ClinVar (database versions not stated): gnomAD exomes 0.00001.
gnomAD v4.1: 3 of 1,589,756 alleles (0.00019%); highest among the groups gnomAD compares: Admixed American, 0.005%; no homozygotes.

Submissions (2):

Labcorp Genetics (formerly Invitae), Labcorp
Classification: Uncertain significance for Arrhythmogenic right ventricular dysplasia 9. Last evaluated: 2025-06-18. Review status: criteria provided, single submitter. Criteria: Invitae Variant Classification Sherloc (09022015). Collection method: clinical testing. Allele origin: germline.
Comment: This sequence change replaces glutamic acid, which is acidic and polar, with lysine, which is basic and polar, at codon 58 of the PKP2 protein (p.Glu58Lys). This variant is present in population databases (no rsID available, gnomAD 0.009%). This variant has not been reported in the literature in individuals affected with PKP2-related conditions. ClinVar contains an entry for this variant (Variation ID: 3073228). An algorithm developed to predict the effect of missense changes on protein structure and function (PolyPhen-2) suggests that this variant is likely to be tolerated. In summary, the available evidence is currently insufficient to determine the role of this variant in disease. Therefore, it has been classified as a Variant of Uncertain Significance.

All of Us Research Program, National Institutes of Health
Classification: Uncertain significance for Arrhythmogenic right ventricular cardiomyopathy. Last evaluated: 2023-08-28. Review status: criteria provided, single submitter. Criteria: ACMG Guidelines, 2015. Collection method: clinical testing. Allele origin: germline. Inheritance: Autosomal dominant inheritance. Observed: 1 variant allele, 1 heterozygote.
Comment: This missense variant replaces glutamic acid with lysine at codon 58 of the PKP2 protein. Computational prediction suggests that this variant may not impact protein structure and function (internally defined REVEL score threshold <= 0.5, PMID: 27666373). To our knowledge, functional studies have not been reported for this variant. This variant has not been reported in individuals affected with PKP2-related disorders in the literature. This variant has been identified in 3/216772 chromosomes in the general population by the Genome Aggregation Database (gnomAD). The available evidence is insufficient to determine the role of this variant in disease conclusively. Therefore, this variant is classified as a Variant of Uncertain Significance.

This study involves interpretation of variants in research participants for the purpose of population health screening. Participant phenotype was not available at the time of variant classification. Additional details can be found in publication PMID: 35346344, PMCID: PMC8962531